The following is an entry in ClinVar:

NM_014000.3(VCL):c.1453A>G (p.Arg485Gly)

Gene: VCL (vinculin; plus strand). Cytogenetic location: 10q22.2.
Variant type: single nucleotide variant.
Coding change: c.1453A>G on transcript NM_014000.3 (MANE Select); coding-DNA position 1453, A replaced by G.
Protein change: p.Arg485Gly; replaces arginine 485 with glycine.
Molecular consequence: missense variant.
Genome position (GRCh38, 1-based): chr10:74,094,371, A>G. VCF-style: chr10-74094371-A-G. GRCh37 (hg19) VCF-style: chr10-75854129-A-G.
Other names: c.1453A>G, p.Arg485Gly (NM_003373.4); short protein forms R485G.
Identifiers: ClinVar variation 1496052 (VCV001496052.8), dbSNP rs2131914499, ClinGen allele CA377273842.

ClinVar aggregate classification (germline): Uncertain significance (1 of 4 stars; one submission).

Conditions:
Dilated cardiomyopathy 1W (CMD1W). Identifiers: Orphanet 154, MedGen C1969639, MONDO:0012667, OMIM 611407.

Submission:

Labcorp Genetics (formerly Invitae), Labcorp
Classification: Uncertain significance for Dilated cardiomyopathy 1W. Last evaluated: 2021-06-05. Review status: criteria provided, single submitter. Criteria: Invitae Variant Classification Sherloc (09022015). Collection method: clinical testing. Allele origin: germline.
Comment: This sequence change replaces arginine with glycine at codon 485 of the VCL protein (p.Arg485Gly). The arginine residue is highly conserved and there is a moderate physicochemical difference between arginine and glycine. This variant is not present in population databases (ExAC no frequency). This variant has not been reported in the literature in individuals with VCL-related conditions. Algorithms developed to predict the effect of missense changes on protein structure and function are either unavailable or do not agree on the potential impact of this missense change (SIFT: "Not Available"; PolyPhen-2: "Probably Damaging"; Align-GVGD: "Not Available"). In summary, the available evidence is currently insufficient to determine the role of this variant in disease. Therefore, it has been classified as a Variant of Uncertain Significance.